The following is an entry in ClinVar:

NM_000642.3(AGL):c.3830C>T (p.Thr1277Ile)

Gene: AGL (amylo-alpha-1,6-glucosidase and 4-alpha-glucanotransferase; plus strand). Cytogenetic location: 1p21.2.
Variant type: single nucleotide variant.
Coding change: c.3830C>T on transcript NM_000642.3 (MANE Select); coding-DNA position 3830, C replaced by T.
Protein change: p.Thr1277Ile; replaces threonine 1277 with isoleucine.
Molecular consequence: missense variant.
Genome position (GRCh38, 1-based): chr1:99,910,841, C>T. VCF-style: chr1-99910841-C-T. GRCh37 (hg19) VCF-style: chr1-100376397-C-T.
Other names: c.3830C>T, p.Thr1277Ile (NM_000028.3, NM_000643.3, NM_000644.3 and 1 more transcripts); c.3782C>T, p.Thr1261Ile (NM_000646.3); c.3809C>T, p.Thr1270Ile (NM_001425326.1); c.3629C>T, p.Thr1210Ile (NM_001425327.1); c.3626C>T, p.Thr1209Ile (NM_001425328.1); c.3491C>T, p.Thr1164Ile (NM_001425329.1); c.3452C>T, p.Thr1151Ile (NM_001425332.1); short protein forms T1261I, T1277I, T1151I, T1164I, T1209I, T1210I, T1270I.
Identifiers: ClinVar variation 1424110 (VCV001424110.6), dbSNP rs751959174, ClinGen allele CA967220.
Genomic context (GRCh38, chr1:99,910,841, plus strand): 5'-GCACATGGATGGATAAAATGGGAGAAAGTGACAGAGCTAGAAACAGAGGAATCCCAGCCA[C>T]ACCAAGGTAGTGTAAATGTTATAATGCTGTGTAATTATACCCTTCTTTAAGAAAGCACTT-3'
Protein context (NP_000633.2, residues 1267-1287): DRARNRGIPA[Thr1277Ile]PRDGSAVEIV

ClinVar aggregate classification (germline): Uncertain significance (1 of 4 stars; one submission).

Conditions:
Glycogen storage disease type III (GSD3). Also called: FORBES DISEASE; Cori disease. Identifiers: Orphanet 366, MedGen C0017922, MONDO:0009291, OMIM 232400.

Allele frequency attached by ClinVar (database versions not stated): gnomAD 0.00001; gnomAD exomes 0.00001 and 0.00002; TOPMed 0.00001; ExAC 0.00002.
gnomAD v4.1: 24 of 1,612,506 alleles (0.0015%); highest among the groups gnomAD compares: Non-Finnish European, 0.002%; no homozygotes.

Submission:

Labcorp Genetics (formerly Invitae), Labcorp
Classification: Uncertain significance for Glycogen storage disease type III. Last evaluated: 2025-06-16. Review status: criteria provided, single submitter. Criteria: Invitae Variant Classification Sherloc (09022015). Collection method: clinical testing. Allele origin: germline.
Comment: This sequence change replaces threonine, which is neutral and polar, with isoleucine, which is neutral and non-polar, at codon 1277 of the AGL protein (p.Thr1277Ile). This variant is present in population databases (rs751959174, gnomAD 0.002%). This variant has not been reported in the literature in individuals affected with AGL-related conditions. ClinVar contains an entry for this variant (Variation ID: 1424110). Invitae Evidence Modeling of protein sequence and biophysical properties (such as structural, functional, and spatial information, amino acid conservation, physicochemical variation, residue mobility, and thermodynamic stability) indicates that this missense variant is expected to disrupt AGL protein function with a positive predictive value of 80%. In summary, the available evidence is currently insufficient to determine the role of this variant in disease. Therefore, it has been classified as a Variant of Uncertain Significance.